The following is an entry in ClinVar:

ClinVar aggregate classification (germline): Conflicting classifications of pathogenicity. Review status: criteria provided, conflicting classifications (1 of 4 stars). 16 submissions from 15 submitters: Uncertain significance (6); Likely benign (8). 2 of the submissions do not count toward it. Last evaluated 2026-08-01.

Conditions:
Arthrogryposis multiplex congenita 3, myogenic type. Also called: ARTHROGRYPOSIS MULTIPLEX CONGENITA, MYOGENIC TYPE. Identifiers: MedGen C5193121, MONDO:0032778, OMIM 618484.
Emery-Dreifuss muscular dystrophy 4, autosomal dominant (EDMD4). Also called: EMERY-DREIFUSS MUSCULAR DYSTROPHY 4 WITH VARIABLE FEATURES. Identifiers: Orphanet 261, MedGen C2751807, MONDO:0013071, OMIM 612998.
Autosomal recessive ataxia, Beauce type. Also called: SYNE1-Related Autosomal Recessive Cerebellar Ataxia; ATAXIA, RECESSIVE, OF BEAUCE; SYNE1 Deficiency; Spinocerebellar ataxia, autosomal recessive 8. Identifiers: Orphanet 88644, MedGen C1853116, MONDO:0012549, OMIM 610743.
SYNE1-related disorder. Also called: SYNE1-related disorders; SYNE1-related disease; SYNE1-related condition.
Intellectual disability. Also called: Intellectual functioning disability; intellectual disabilities; Intellectual developmental disorder. Identifiers: MedGen C3714756, MeSH D008607, MONDO:0001071, HP:0001249.

Allele frequency attached by ClinVar (database versions not stated): gnomAD exomes 0.00067 and 0.00084; 1000 Genomes Project 30x 0.00094; TOPMed 0.00102; ExAC 0.00058; gnomAD 0.00080 and 0.00083; 1000 Genomes Project 0.00080.
gnomAD v4.1: 1,346 of 1,614,192 alleles (0.083%); highest among the groups gnomAD compares: Middle Eastern, 0.28%; 2 homozygotes.

Submissions (16):

CeGaT Center for Human Genetics Tuebingen
Classification: Likely benign. Last evaluated: 2026-08-01. Review status: criteria provided, single submitter. Criteria: CeGaT Center For Human Genetics Tuebingen Variant Classification Criteria Version 2. Collection method: clinical testing. Allele origin: germline. Affected: yes. Observed: 7 variant alleles.
Comment: SYNE1: BP4

PreventionGenetics, part of Exact Sciences
Classification: Likely benign for SYNE1-related condition. Last evaluated: 2026-05-12. Review status: criteria provided, single submitter. Criteria: ACMG Guidelines, 2015. Collection method: clinical testing. Allele origin: germline.
Comment: This variant is classified as likely benign based on ACMG/AMP sequence variant interpretation guidelines (Richards et al. 2015 PMID: 25741868, with internal and published modifications).

Labcorp Genetics (formerly Invitae), Labcorp
Classification: Uncertain significance for Emery-Dreifuss muscular dystrophy 4, autosomal dominant; Autosomal recessive ataxia, Beauce type. Last evaluated: 2026-01-12. Review status: criteria provided, single submitter. Criteria: Invitae Variant Classification Sherloc (09022015). Collection method: clinical testing. Allele origin: germline.
Comment: This sequence change replaces glutamic acid, which is acidic and polar, with lysine, which is basic and polar, at codon 8413 of the SYNE1 protein (p.Glu8413Lys). This variant is present in population databases (rs119103248, gnomAD 0.2%), and has an allele count higher than expected for a pathogenic variant. This missense change has been observed in individual(s) with clinical features of Emery–Dreifuss muscular dystrophy (PMID: 17761684). ClinVar contains an entry for this variant (Variation ID: 2334). An algorithm developed to predict the effect of missense changes on protein structure and function (PolyPhen-2) suggests that this variant is likely to be tolerated. Experimental studies have shown that this missense change does not substantially affect SYNE1 function (PMID: 17761684). In summary, the available evidence is currently insufficient to determine the role of this variant in disease. Therefore, it has been classified as a Variant of Uncertain Significance.

Athena Diagnostics
Classification: Likely benign. Last evaluated: 2025-02-24. Review status: criteria provided, single submitter. Criteria: Athena Diagnostics Criteria. Collection method: clinical testing. Allele origin: unknown.
Comment: The frequency of this variant in the general population is higher than would generally be expected for pathogenic variants in this gene.

Mayo Clinic Laboratories, Mayo Clinic
Classification: Likely benign. Last evaluated: 2025-01-28. Review status: criteria provided, single submitter. Criteria: ACMG Guidelines, 2015. Collection method: clinical testing. Allele origin: germline. Observed: 1 variant allele.
Comment: BS1, BP4

Blueprint Genetics
Classification: Uncertain significance. Last evaluated: 2024-11-15. Review status: criteria provided, single submitter. Criteria: ACMG Guidelines, 2015. Collection method: clinical testing. Allele origin: germline.

Women's Health and Genetics/Laboratory Corporation of America, LabCorp
Classification: Likely benign. Last evaluated: 2023-09-29. Review status: criteria provided, single submitter. Criteria: LabCorp Variant Classification Summary - May 2015. Collection method: clinical testing. Allele origin: germline.
Comment: Variant summary: SYNE1 c.25237G>A (p.Glu8413Lys) results in a conservative amino acid change located in a spectrin repeat (IPR002017) of the encoded protein sequence. Four of five in-silico tools predict a benign effect of the variant on protein function. The variant allele was found at a frequency of 0.00067 in 251482 control chromosomes, predominantly at a frequency of 0.0017 within the Latino subpopulation in the gnomAD database. This relatively high frequency suggests that the variant is likely not associated with a high penetrance, early onset dominant disease phenotype. The variant c.25237G>A has been reported in the literature in individuals affected with phenotypes suggestive of muscular disease (e.g. Zhang_2007, Kuhn_2016, Cerino_2021, Nallamilli_2018), however without strong evidence of causality (i.e. lack cosegregation evidence, atypical phenotype, or presence of other variants was noted in some of these cases). At least one of these publications reports experimental evidence evaluating an impact on protein function, however these results showed no damaging effect of this variant (Zhang_2007). The following publications have been ascertained in the context of this evaluation (PMID: 17761684, 32934002, 32934002, 30564623). Nine submitters have cited clinical-significance assessments for this variant to ClinVar after 2014. Multiple submitters reported the variant with conflicting assessments. Based on the evidence outlined above, the variant was classified as likely benign.

Department of Pathology and Laboratory Medicine, Sinai Health System
Classification: Uncertain significance for Autosomal recessive ataxia, Beauce type; Emery-Dreifuss muscular dystrophy 4, autosomal dominant; Arthrogryposis multiplex congenita 3, myogenic type. Last evaluated: 2022-11-17. Review status: criteria provided, single submitter. Criteria: ACMG Guidelines, 2015. Collection method: research. Allele origin: germline.

GeneDx
Classification: Likely benign. Last evaluated: 2020-05-28. Review status: criteria provided, single submitter. Criteria: GeneDx Variant Classification Process June 2021. Collection method: clinical testing. Allele origin: germline. Affected: yes.
Comment: This variant is associated with the following publications: (PMID: 17761684)

Mendelics
Classification: Uncertain significance for Autosomal recessive ataxia, Beauce type. Last evaluated: 2019-05-28. Review status: criteria provided, single submitter. Criteria: Mendelics Assertion Criteria 2017. Collection method: clinical testing. Allele origin: unknown.

ARUP Laboratories, Molecular Genetics and Genomics, ARUP Laboratories
Classification: Uncertain significance. Last evaluated: 2018-09-28. Review status: criteria provided, single submitter. Criteria: ARUP Molecular Germline Variant Investigation Process. Collection method: clinical testing. Allele origin: germline.
Comment: The SYNE1 c.25237G>A; p.Glu8413Lys variant (rs119103248), also reported as c.2132G>A; p.Glu646Lys for a shorter alternate transcript by Zhang et al. (2007), was identified in an individual with Emery-Dreifuss Muscular Dystrophy-like symptoms; however, it has not been demonstrated to be disease-causing (Zhang 2007). This variant is reported in ClinVar (Variation ID: 2334) and is found in the Latino population with an overall allele frequency of 0.16% (55/34420 alleles) in the Genome Aggregation Database. The glutamate at codon 8413 is weakly conserved, and computational analyses (SIFT, PolyPhen-2) predict that this variant is tolerated. However, due to limited information, the clinical significance of the p.Glu8413Lys variant is uncertain at this time. References: Zhang Q et al. Nesprin-1 and -2 are involved in the pathogenesis of Emery Dreifuss muscular dystrophy and are critical for nuclear envelope integrity. Hum Mol Genet. 2007 Dec 1;16(23):2816-33.

Eurofins Ntd Llc (ga)
Classification: Uncertain significance. Last evaluated: 2018-06-08. Review status: criteria provided, single submitter. Criteria: EGL ClinVar v180209 classification definitions. Collection method: clinical testing. Allele origin: germline. Observed: 14 variant alleles, 14 heterozygotes.

Illumina Laboratory Services, Illumina
Classification: Likely benign for Autosomal recessive ataxia, Beauce type. Last evaluated: 2017-04-27. Review status: criteria provided, single submitter. Criteria: ICSL Variant Classification Criteria 13 December 2019. Collection method: clinical testing. Allele origin: germline.
Comment: This variant was observed as part of a predisposition screen in an ostensibly healthy population. A literature search was performed for the gene, cDNA change, and amino acid change (where applicable). No publications were found based on this search. Allele frequency data from public databases allowed determination this variant is unlikely to cause disease. Therefore, this variant is classified as likely benign.

Illumina Laboratory Services, Illumina
Classification: Likely benign for Emery-Dreifuss muscular dystrophy 4, autosomal dominant. Last evaluated: 2017-04-27. Review status: criteria provided, single submitter. Criteria: ICSL Variant Classification Criteria 13 December 2019. Collection method: clinical testing. Allele origin: germline.
Comment: the same text as in the submission from Illumina Laboratory Services, Illumina above.

Centre de Biologie Pathologie Génétique, Centre Hospitalier Universitaire de Lille
Classification: Likely benign for Intellectual disability. Last evaluated: 2019-01-01. Review status: no assertion criteria provided. Collection method: clinical testing. Allele origin: inherited. Affected: yes. Not counted in ClinVar's aggregate classification.

OMIM
Classification: Pathogenic for EMERY-DREIFUSS MUSCULAR DYSTROPHY 4 WITH VARIABLE FEATURES. Last evaluated: 2007-12-01. Review status: no assertion criteria provided. Collection method: literature only. Allele origin: germline. Not counted in ClinVar's aggregate classification.

Literature cited by the submitters: PubMed 17761684 (cited by 6 submitters); PubMed 32934002 (cited by 3 submitters); PubMed 30858532 (cited by Athena Diagnostics); PubMed 29517769 (cited by Athena Diagnostics and Mayo Clinic Laboratories, Mayo Clinic); PubMed 34426522 (cited by Athena Diagnostics); PubMed 30564623 (cited by Athena Diagnostics and Women's Health and Genetics/Laboratory Corporation of America, LabCorp); PubMed 27782104 (cited by Athena Diagnostics); PubMed 27302369 (cited by Athena Diagnostics); PubMed 26886200 (cited by Athena Diagnostics and Mayo Clinic Laboratories, Mayo Clinic).

NM_182961.4(SYNE1):c.25381G>A (p.Glu8461Lys)

Gene: SYNE1 (spectrin repeat containing nuclear envelope protein 1; minus strand). Cytogenetic location: 6q25.2.
Variant type: single nucleotide variant.
Coding change: c.25381G>A on transcript NM_182961.4 (MANE Select); coding-DNA position 25381, G replaced by A.
Protein change: p.Glu8461Lys; replaces glutamic acid 8461 with lysine.
Molecular consequence: missense variant.
Genome position (GRCh38, 1-based): chr6:152,140,027, C>T on the plus strand (G>A on the coding strand, the complement: SYNE1 is on the minus strand). VCF-style: chr6-152140027-C-T. GRCh37 (hg19) VCF-style: chr6-152461162-C-T.
Other names: E646K; p.Glu8413Lys; c.1987G>A, p.Glu663Lys (NM_001347701.2); c.1915G>A, p.Glu639Lys (NM_001347702.2); c.25237G>A, p.Glu8413Lys (NM_033071.5); short protein forms E8413K, E8461K, E639K, E663K.
Identifiers: ClinVar variation 2334 (VCV000002334.74), dbSNP rs119103248, ClinGen allele CA115488.